The following is an entry in ClinVar:

ClinVar aggregate classification (germline): Uncertain significance (1 of 4 stars; one submission).

Conditions:
Wolman disease (WOLD). Also called: Wolman disease with hypolipoproteinemia and acanthocytosis; Acid cholesteryl ester hydrolase deficiency, Wolman type; Acid lipase disease; LYSOSOMAL ACID LIPASE DEFICIENCY, ACUTE INFANTILE; LYSOSOMAL ACID LIPASE DEFICIENCY, COMPLETE; LIPA DEFICIENCY, COMPLETE. Identifiers: Orphanet 75233, MedGen C0043208, MONDO:0019148, OMIM 620151.

Allele frequency attached by ClinVar (database versions not stated): TOPMed below 0.00001.

Submission:

Labcorp Genetics (formerly Invitae), Labcorp
Classification: Uncertain significance for Wolman disease. Last evaluated: 2023-07-17. Review status: criteria provided, single submitter. Criteria: Invitae Variant Classification Sherloc (09022015). Collection method: clinical testing. Allele origin: germline.
Comment: This variant has not been reported in the literature in individuals affected with LIPA-related conditions. In summary, the available evidence is currently insufficient to determine the role of this variant in disease. Therefore, it has been classified as a Variant of Uncertain Significance. Advanced modeling of protein sequence and biophysical properties (such as structural, functional, and spatial information, amino acid conservation, physicochemical variation, residue mobility, and thermodynamic stability) performed at Invitae indicates that this missense variant is expected to disrupt LIPA protein function. ClinVar contains an entry for this variant (Variation ID: 1436411). This variant is not present in population databases (gnomAD no frequency). This sequence change replaces tryptophan, which is neutral and slightly polar, with cysteine, which is neutral and slightly polar, at codon 340 of the LIPA protein (p.Trp340Cys).

NM_000235.4(LIPA):c.1020G>T (p.Trp340Cys)

Gene: LIPA (lipase A, lysosomal acid type; minus strand). Cytogenetic location: 10q23.31.
Variant type: single nucleotide variant.
Coding change: c.1020G>T on transcript NM_000235.4 (MANE Select); coding-DNA position 1020, G replaced by T.
Protein change: p.Trp340Cys; replaces tryptophan 340 with cysteine.
Molecular consequence: missense variant.
Genome position (GRCh38, 1-based): chr10:89,215,008, C>A on the plus strand (G>T on the coding strand, the complement: LIPA is on the minus strand). VCF-style: chr10-89215008-C-A. GRCh37 (hg19) VCF-style: chr10-90974765-C-A.
Other names: c.1020G>T, p.Trp340Cys (NM_001127605.3); c.672G>T, p.Trp224Cys (NM_001288979.2); short protein forms W340C, W224C.
Identifiers: ClinVar variation 1436411 (VCV001436411.6), dbSNP rs1842605430, ClinGen allele CA377516320.